The following is an entry in ClinVar:

ClinVar aggregate classification (germline): Benign/Likely benign. Review status: criteria provided, multiple submitters, no conflicts (2 of 4 stars). 4 submissions from 4 submitters: Benign (1); Likely benign (3). Last evaluated 2025-03-04.

Conditions:
Familial cancer of breast. Also called: BREAST CANCER, FAMILIAL; Hereditary breast cancer; hereditary breast carcinoma. Identifiers: Orphanet 227535, MedGen C0346153, MONDO:0016419, OMIM 114480. Disease mechanism: loss of function.
Hereditary cancer-predisposing syndrome. Also called: Neoplastic Syndromes, Hereditary; Tumor predisposition; Hereditary neoplastic syndrome; Hereditary Cancer Syndrome. Identifiers: Orphanet 140162, MedGen C0027672, MeSH D009386, MONDO:0015356.

Allele frequency attached by ClinVar (database versions not stated): gnomAD 0.00001.
gnomAD v4.1: 1 of 1,613,958 alleles (0.000062%); highest among the groups gnomAD compares: African/African-American, 0.0013%; no homozygotes.

Submissions (4):

Center for Genomic Medicine, Rigshospitalet, Copenhagen University Hospital
Classification: Likely benign. Last evaluated: 2025-03-04. Review status: criteria provided, single submitter. Criteria: ACMG Guidelines, 2015. Collection method: clinical testing. Allele origin: germline.

Myriad Genetics, Inc.
Classification: Benign for Familial cancer of breast. Last evaluated: 2025-01-10. Review status: criteria provided, single submitter. Criteria: Myriad Autosomal Dominant, Autosomal Recessive and X-Linked Classification Criteria (2023). Collection method: clinical testing. Allele origin: unknown.
Comment: This variant is considered benign. This variant is a silent/synonymous amino acid change and it is not expected to impact splicing.

Labcorp Genetics (formerly Invitae), Labcorp
Classification: Likely benign for Familial cancer of breast. Last evaluated: 2023-11-24. Review status: criteria provided, single submitter. Criteria: Invitae Variant Classification Sherloc (09022015). Collection method: clinical testing. Allele origin: germline.

Ambry Genetics
Classification: Likely benign for Hereditary cancer-predisposing syndrome. Last evaluated: 2018-10-22. Review status: criteria provided, single submitter. Criteria: Ambry Variant Classification Scheme 2023. Collection method: clinical testing. Allele origin: germline.

NM_024675.4(PALB2):c.546C>T (p.Ile182=)

Gene: PALB2 (partner and localizer of BRCA2; minus strand). Cytogenetic location: 16p12.2.
Variant type: single nucleotide variant.
Coding change: c.546C>T on transcript NM_024675.4 (MANE Select); coding-DNA position 546, C replaced by T.
Protein change: p.Ile182=; no amino-acid change (isoleucine 182 retained).
Molecular consequence: synonymous variant.
Genome position (GRCh38, 1-based): chr16:23,636,000, G>A on the plus strand (C>T on the coding strand, the complement: PALB2 is on the minus strand). VCF-style: chr16-23636000-G-A. GRCh37 (hg19) VCF-style: chr16-23647321-G-A.
Identifiers: ClinVar variation 825759 (VCV000825759.11), dbSNP rs1597098917, ClinGen allele CA494461811.